The following is an entry in ClinVar:

ClinVar aggregate classification (germline): Uncertain significance. Review status: criteria provided, multiple submitters, no conflicts (2 of 4 stars). 3 submissions from 3 submitters: Uncertain significance (3). Last evaluated 2025-04-09.

Conditions:
Facioscapulohumeral muscular dystrophy 2 (FSHD2). Also called: FACIOSCAPULOHUMERAL MUSCULAR DYSTROPHY 2, DIGENIC; FSHD2, DIGENIC; MUSCULAR DYSTROPHY, FACIOSCAPULOHUMERAL, TYPE 1B. Identifiers: Orphanet 269, MedGen C1834671, MONDO:0008031, OMIM 158901.
Inborn genetic diseases. Identifiers: MedGen C0950123, MeSH D030342.

gnomAD v4.1: 16 of 1,613,116 alleles (0.00099%); highest among the groups gnomAD compares: Non-Finnish European, 0.0014%; no homozygotes.

Submissions (3):

Ambry Genetics
Classification: Uncertain significance for Inborn genetic diseases. Last evaluated: 2025-04-09. Review status: criteria provided, single submitter. Criteria: Ambry Variant Classification Scheme 2023. Collection method: clinical testing. Allele origin: germline.

Labcorp Genetics (formerly Invitae), Labcorp
Classification: Uncertain significance for Facioscapulohumeral muscular dystrophy 2. Last evaluated: 2025-04-01. Review status: criteria provided, single submitter. Criteria: Invitae Variant Classification Sherloc (09022015). Collection method: clinical testing. Allele origin: germline.
Comment: This sequence change replaces aspartic acid, which is acidic and polar, with glycine, which is neutral and non-polar, at codon 1146 of the SMCHD1 protein (p.Asp1146Gly). This variant is present in population databases (rs773078051, gnomAD 0.002%). This variant has not been reported in the literature in individuals affected with SMCHD1-related conditions. ClinVar contains an entry for this variant (Variation ID: 3375876). Invitae Evidence Modeling of protein sequence and biophysical properties (such as structural, functional, and spatial information, amino acid conservation, physicochemical variation, residue mobility, and thermodynamic stability) indicates that this missense variant is not expected to disrupt SMCHD1 protein function with a negative predictive value of 80%. In summary, the available evidence is currently insufficient to determine the role of this variant in disease. Therefore, it has been classified as a Variant of Uncertain Significance.

GeneDx
Classification: Uncertain significance. Last evaluated: 2024-05-05. Review status: criteria provided, single submitter. Criteria: GeneDx Variant Classification Process June 2021. Collection method: clinical testing. Allele origin: germline. Affected: yes.
Comment: Not observed at significant frequency in large population cohorts (gnomAD); In silico analysis indicates that this missense variant does not alter protein structure/function; Has not been previously published as pathogenic or benign to our knowledge

NM_015295.3(SMCHD1):c.3437A>G (p.Asp1146Gly)

Gene: SMCHD1 (structural maintenance of chromosomes flexible hinge domain containing 1; plus strand). Cytogenetic location: 18p11.32.
Variant type: single nucleotide variant.
Coding change: c.3437A>G on transcript NM_015295.3 (MANE Select); coding-DNA position 3437, A replaced by G.
Protein change: p.Asp1146Gly; replaces aspartic acid 1146 with glycine.
Molecular consequence: missense variant.
Genome position (GRCh38, 1-based): chr18:2,739,443, A>G. VCF-style: chr18-2739443-A-G. GRCh37 (hg19) VCF-style: chr18-2739441-A-G.
Other names: short protein forms D1146G.
Identifiers: ClinVar variation 3375876 (VCV003375876.3).